The following is an entry in ClinVar:

NM_000565.4(IL6R):c.197C>A (p.Ala66Asp)

Gene: IL6R (interleukin 6 receptor; plus strand). Cytogenetic location: 1q21.3.
Variant type: single nucleotide variant.
Coding change: c.197C>A on transcript NM_000565.4 (MANE Select); coding-DNA position 197, C replaced by A.
Protein change: p.Ala66Asp; replaces alanine 66 with aspartic acid.
Molecular consequence: missense variant. On other transcripts: intron variant (1).
Genome position (GRCh38, 1-based): chr1:154,429,307, C>A. VCF-style: chr1-154429307-C-A. GRCh37 (hg19) VCF-style: chr1-154401783-C-A.
Other names: c.197C>A, p.Ala66Asp (NM_001206866.2, NM_001382769.1, NM_001382770.1 and 4 more transcripts); c.126+71C>A (NM_001382774.1); short protein forms A66D.
Identifiers: ClinVar variation 1438003 (VCV001438003.8), dbSNP rs367578267, ClinGen allele CA30795338.

ClinVar aggregate classification (germline): Uncertain significance (1 of 4 stars; one submission).

Allele frequency attached by ClinVar (database versions not stated): gnomAD 0.00001 and 0.00002; gnomAD exomes 0.00001; TOPMed 0.00003.
gnomAD v4.1: 15 of 1,614,136 alleles (0.00093%); highest among the groups gnomAD compares: African/African-American, 0.016%; no homozygotes.

Submission:

Labcorp Genetics (formerly Invitae), Labcorp
Classification: Uncertain significance. Last evaluated: 2025-05-12. Review status: criteria provided, single submitter. Criteria: Invitae Variant Classification Sherloc (09022015). Collection method: clinical testing. Allele origin: germline.
Comment: This sequence change replaces alanine, which is neutral and non-polar, with aspartic acid, which is acidic and polar, at codon 66 of the IL6R protein (p.Ala66Asp). This variant is present in population databases (rs367578267, gnomAD 0.01%). This variant has not been reported in the literature in individuals affected with IL6R-related conditions. ClinVar contains an entry for this variant (Variation ID: 1438003). An algorithm developed to predict the effect of missense changes on protein structure and function (PolyPhen-2) suggests that this variant is likely to be tolerated. In summary, the available evidence is currently insufficient to determine the role of this variant in disease. Therefore, it has been classified as a Variant of Uncertain Significance.